The following is an entry in ClinVar:

ClinVar aggregate classification (germline): Pathogenic/Likely pathogenic. Review status: criteria provided, multiple submitters, no conflicts (2 of 4 stars). 3 submissions from 3 submitters: Pathogenic (1); Likely pathogenic (2). Last evaluated 2024-01-12.

Conditions:
Hereditary spastic paraplegia 39 (SPG39). Also called: Spastic Paraplegia Type 39 (SPG39); SPASTIC PARAPLEGIA 39, AUTOSOMAL RECESSIVE. Identifiers: Orphanet 139480, MedGen C2677586, MONDO:0012787, OMIM 612020.
PNPLA6-related disorder. Also called: PNPLA6-related disorders; PNPLA6-related condition.

Allele frequency attached by ClinVar (database versions not stated): gnomAD exomes below 0.00001 and 0.00001; ExAC 0.00001; TOPMed 0.00001; gnomAD 0.00002; ESP Exome Variant Server 0.00008.

Submissions (3):

GeneDx
Classification: Likely pathogenic. Last evaluated: 2024-01-12. Review status: criteria provided, single submitter. Criteria: GeneDx Variant Classification Process June 2021. Collection method: clinical testing. Allele origin: germline. Affected: yes.
Comment: Identified in a cohort of adults undergoing whole genome sequencing, however, clinical and familial segregation information was not provided (PMID: 31980526); Frameshift variant predicted to result in protein truncation or nonsense mediated decay in a gene for which loss-of-function is a known mechanism of disease; Not observed at significant frequency in large population cohorts (gnomAD); This variant is associated with the following publications: (PMID: 31980526)

Labcorp Genetics (formerly Invitae), Labcorp
Classification: Pathogenic for Hereditary spastic paraplegia 39. Last evaluated: 2023-02-08. Review status: criteria provided, single submitter. Criteria: Invitae Variant Classification Sherloc (09022015). Collection method: clinical testing. Allele origin: germline.
Comment: This sequence change creates a premature translational stop signal (p.Leu790Argfs*23) in the PNPLA6 gene. It is expected to result in an absent or disrupted protein product. Loss-of-function variants in PNPLA6 are known to be pathogenic (PMID: 24355708). This variant is present in population databases (rs756542477, gnomAD 0.002%). This variant has not been reported in the literature in individuals affected with PNPLA6-related conditions. ClinVar contains an entry for this variant (Variation ID: 569546). For these reasons, this variant has been classified as Pathogenic.

Blueprint Genetics
Classification: Likely pathogenic for PNPLA6-related disorders. Last evaluated: 2021-09-13. Review status: criteria provided, single submitter. Criteria: ACMG Guidelines, 2015. Collection method: clinical testing. Allele origin: germline. Affected: yes. Observed: 4 variant alleles.

Literature cited by the submitters: PubMed 24355708 (cited by Labcorp Genetics (formerly Invitae), Labcorp).

NM_001166114.2(PNPLA6):c.2483del (p.Leu828fs)

Gene: PNPLA6 (patatin like domain 6, lysophospholipase; plus strand). Cytogenetic location: 19p13.2.
Variant type: Deletion.
Coding change: c.2483del on transcript NM_001166114.2 (MANE Select); coding-DNA position 2483, one base deleted (T; older notation c.2483delT).
Protein change: p.Leu828fs; shifts the reading frame from leucine 828.
Molecular consequence: frameshift variant.
Genome position (GRCh38, 1-based): chr19:7,554,572, T deleted. VCF-style (leftmost placement, unchanged base first): chr19-7554571-CT-C. GRCh37 (hg19) VCF-style: chr19-7619457-CT-C.
Other names: c.2369delT (NM_006702.4); c.2513del, p.Leu838fs (NM_001166111.2); c.2288del, p.Leu763fs (NM_001166112.2); c.2369del, p.Leu790fs (NM_001166113.1, NM_006702.5); short protein forms L763fs, L828fs, L790fs, L838fs.
Identifiers: ClinVar variation 569546 (VCV000569546.10), dbSNP rs756542477, ClinGen allele CA9140136.
Genomic context (GRCh38, chr19:7,554,571, plus strand): 5'-CCCCAGGCCAACCCCAGGATGACGCTGCCCCCTTCCCACCCTAGCATCCAAGAGTTCCGG[CT>C]GTCAGGGTGGCTGGCCCAGCAGGAGGATGCACACCGTATCGTACTCTACCAGACGGACGC-3'